The following is an entry in ClinVar:

ClinVar aggregate classification (germline): Likely pathogenic (1 of 4 stars; one submission).

Submission:

Dasa
Classification: Likely pathogenic. Last evaluated: 2025-07-09. Review status: criteria provided, single submitter. Criteria: DASA Assertion Criteria. Collection method: clinical testing. Allele origin: germline.
Comment: NM_001999.4(FBN2):c.2783G>A (p.Trp928*) is a nonsense variant in FBN2 predicted to introduce a premature termination codon and is predicted to result in an absent or altered protein product. Loss of function is an established disease mechanism for FBN2-associated disorders. Also, this variant is absent from population databases. Based on the currently available evidence, this variant is classified as likely pathogenic.

NM_001999.4(FBN2):c.2783G>A (p.Trp928Ter)

Gene: FBN2 (fibrillin 2; minus strand). Cytogenetic location: 5q23.3.
Variant type: single nucleotide variant.
Coding change: c.2783G>A on transcript NM_001999.4 (MANE Select); coding-DNA position 2783, G replaced by A.
Protein change: p.Trp928Ter; replaces tryptophan 928 with a stop codon.
Molecular consequence: nonsense.
Genome position (GRCh38, 1-based): chr5:128,350,897, C>T on the plus strand (G>A on the coding strand, the complement: FBN2 is on the minus strand). VCF-style: chr5-128350897-C-T. GRCh37 (hg19) VCF-style: chr5-127686589-C-T.
Other names: short protein forms W928*.
Identifiers: ClinVar variation 4886595 (VCV004886595.2).